The following is an entry in ClinVar:

ClinVar aggregate classification (germline): Pathogenic/Likely pathogenic. Review status: criteria provided, multiple submitters, no conflicts (2 of 4 stars). 11 submissions from 11 submitters: Pathogenic (4); Likely pathogenic (6). 1 of the submissions does not count toward it. Last evaluated 2026-01-28.

Conditions:
Cholestanol storage disease (CTX). Also called: Cerebrotendinous Xanthomatosis; CEREBRAL CHOLESTERINOSIS; CTX: Cerebrotendinous xanthomatosis. Identifiers: Orphanet 909, MedGen C0238052, MONDO:0008948, OMIM 213700.
CYP27A1-related disorder. Also called: CYP27A1-related condition.

Allele frequency attached by ClinVar (database versions not stated): gnomAD 0.00001 and 0.00003; TOPMed 0.00003; gnomAD exomes 0.00005; ExAC 0.00006; 1000 Genomes Project 30x 0.00016; 1000 Genomes Project 0.00020.
gnomAD v4.1: 40 of 1,614,166 alleles (0.0025%); highest among the groups gnomAD compares: South Asian, 0.025%; no homozygotes.

Submissions (11):

Labcorp Genetics (formerly Invitae), Labcorp
Classification: Pathogenic for Cholestanol storage disease. Last evaluated: 2026-01-28. Review status: criteria provided, single submitter. Criteria: Invitae Variant Classification Sherloc (09022015). Collection method: clinical testing. Allele origin: germline.
Comment: This sequence change replaces arginine, which is basic and polar, with cysteine, which is neutral and slightly polar, at codon 513 of the CYP27A1 protein (p.Arg513Cys). This variant is present in population databases (rs560108684, gnomAD 0.03%). This missense change has been observed in individual(s) with clinical features of CYP27A1-related conditions (PMID: 28623566, 31743419, 32714376, 34012265). In at least one individual the data is consistent with being in trans (on the opposite chromosome) from a pathogenic variant. It has also been observed to segregate with disease in related individuals. ClinVar contains an entry for this variant (Variation ID: 557779). Invitae Evidence Modeling of protein sequence and biophysical properties (such as structural, functional, and spatial information, amino acid conservation, physicochemical variation, residue mobility, and thermodynamic stability) indicates that this missense variant is expected to disrupt CYP27A1 protein function with a positive predictive value of 95%. This variant disrupts the p.Arg513 amino acid residue in CYP27A1. Other variant(s) that disrupt this residue have been observed in individuals with CYP27A1-related conditions (PMID: 22878431), which suggests that this may be a clinically significant amino acid residue. For these reasons, this variant has been classified as Pathogenic.

Natera, Inc.
Classification: Likely pathogenic for Cerebrotendinous xanthomatosis. Last evaluated: 2026-01-16. Review status: criteria provided, single submitter. Criteria: Natera Variant Classification Schema (03/2026). Collection method: clinical testing. Allele origin: germline.
Comment: The c.1537C>T variant in CYP27A1 is a missense variant predicted to cause substitution of arginine to cysteine at amino acid 513. This variant is rare in the general population with a frequency below the threshold expected for the associated phenotype(s). This variant has been observed in one or more individuals affected with the associated recessive disease, as either homozygous or compound heterozygous with a second variant (PMID: 38476584, 34012265, 32714376, 28623566). This variant has been observed to segregate in affected family members (PMID: 28623566). Computational prediction algorithms indicate this variant is likely to affect gene or protein function. Given the available evidence, this variant is classified as Likely Pathogenic.

PreventionGenetics, part of Exact Sciences
Classification: Pathogenic for CYP27A1-related condition. Last evaluated: 2025-11-07. Review status: criteria provided, single submitter. Criteria: ACMG Guidelines, 2015. Collection method: clinical testing. Allele origin: germline.
Comment: The CYP27A1 c.1537C>T variant is predicted to result in the amino acid substitution p.Arg513Cys. This variant has been reported in the compound heterozygous state in an individual with cerebrotendinous xanthomatosis (CTX) (Jiang et al. 2020. PubMed ID: 32714376). This variant has also been reported in the presumed compound heterozygous state in multiple unrelated individuals with CTX, and in two siblings with CTX (Chen et al. 2017. PubMed ID: 28623566; Zhang et al. 2021. PubMed ID: 34012265; Katragadda et al. 2024. PubMed ID: 38476584). This variant is reported in 0.029% of alleles in individuals of South Asian descent in gnomAD. Taken together, this variant is interpreted as pathogenic.

First Genomix Gene Laboratory, Genetic Diagnostics Department
Classification: Likely pathogenic for Cholestanol storage disease. Last evaluated: 2025-08-04. Review status: criteria provided, single submitter. Criteria: ACMG Guidelines, 2015. Collection method: clinical testing. Allele origin: germline. Inheritance: Autosomal recessive inheritance. Affected: no. Observed: 1 variant allele.

GeneDx
Classification: Likely pathogenic. Last evaluated: 2025-01-14. Review status: criteria provided, single submitter. Criteria: GeneDx Variant Classification Process June 2021. Collection method: clinical testing. Allele origin: germline. Affected: yes.
Comment: In silico analysis supports that this missense variant has a deleterious effect on protein structure/function; This variant is associated with the following publications: (PMID: 22878431, 32714376, 28623566, 31743419)

Blueprint Genetics
Classification: Pathogenic for CYP27A1-related disorders. Last evaluated: 2024-06-28. Review status: criteria provided, single submitter. Criteria: ACMG Guidelines, 2015. Collection method: clinical testing. Allele origin: germline. Affected: yes. Observed: 4 variant alleles.

3billion
Classification: Likely pathogenic for Cholestanol storage disease. Last evaluated: 2024-06-14. Review status: criteria provided, single submitter. Criteria: ACMG Guidelines, 2015. Collection method: clinical testing. Allele origin: germline. Affected: yes.
Comment: The variant is observed at an extremely low frequency in the gnomAD v4.0.0 dataset (total allele frequency: 0.002%). Predicted Consequence/Location: Missense variant In silico tool predictions suggest damaging effect of the variant on gene or gene product [REVEL: 0.66 (>=0.6, sensitivity 0.68 and specificity 0.92); 3Cnet: 0.29 (>=0.6, sensitivity 0.72 and precision 0.9)]. The same nucleotide change resulting in the same amino acid change has been previously reported to be associated with CYP27A1 related disorder (ClinVar ID: VCV000557779 /PMID: 28623566).The variant has been reported to be in trans with a pathogenic variant as either compound heterozygous or homozygous in at least one similarly affected unrelated individual (PMID: 32714376). A different missense change at the same codon (p.Arg513His) has been reported to be associated with CYP27A1 related disorder (PMID: 22878431). Therefore, this variant is classified as Likely pathogenic according to the recommendation of ACMG/AMP guideline.

Fulgent Genetics
Classification: Likely pathogenic for Cholestanol storage disease. Last evaluated: 2024-01-18. Review status: criteria provided, single submitter. Criteria: ACMG Guidelines, 2015. Collection method: clinical testing. Allele origin: germline.

Women's Health and Genetics/Laboratory Corporation of America, LabCorp
Classification: Likely pathogenic for Cholestanol storage disease. Last evaluated: 2022-04-05. Review status: criteria provided, single submitter. Criteria: LabCorp Variant Classification Summary - May 2015. Collection method: clinical testing. Allele origin: germline.
Comment: Variant summary: CYP27A1 c.1537C>T (p.Arg513Cys) results in a non-conservative amino acid change in the encoded protein sequence. Five of five in-silico tools predict a damaging effect of the variant on protein function. The variant allele was found at a frequency of 5.2e-05 in 251486 control chromosomes. This frequency is not significantly higher than expected for a pathogenic variant in CYP27A1 causing Cerebrotendinous Xanthomatosis (5.2e-05 vs 0.0011), allowing no conclusion about variant significance. c.1537C>T has been reported in the literature in the compound heterozygous state in individuals affected with Cerebrotendinous Xanthomatosis, including two individuals from a single family (Chen_2017, Jiang_2020, Zhang_2021). These data indicate that the variant is likely to be associated with disease. To our knowledge, no experimental evidence demonstrating an impact on protein function has been reported. Three clinical diagnostic laboratories have submitted clinical-significance assessments for this variant to ClinVar after 2014 without evidence for independent evaluation. All laboratories classified the variant as uncertain significance. Based on the evidence outlined above, the variant was classified as likely pathogenic.

Juno Genomics, Hangzhou Juno Genomics, Inc
Classification: Pathogenic for Cholestanol storage disease. Review status: criteria provided, single submitter. Criteria: ACMG Guidelines, 2015. Collection method: clinical testing. Allele origin: germline.
Comment: Absent from controls (or at extremely low frequency if recessive) in Genome Aggregation Database.;Multiple lines of computational evidence support a deleterious effect on the gene or gene product.;For recessive disorders, detected in trans with a pathogenic variant.;Co-segregation with disease in multiple affected family members.

Counsyl
Classification: Uncertain significance for Cholestanol storage disease. Last evaluated: 2018-04-11. Review status: no assertion criteria provided. Collection method: clinical testing. Allele origin: unknown. Not counted in ClinVar's aggregate classification.

Literature cited by the submitters: PubMed 28623566 (cited by 5 submitters); PubMed 31743419 (cited by Labcorp Genetics (formerly Invitae), Labcorp); PubMed 32714376 (cited by 4 submitters); PubMed 34012265 (cited by 3 submitters); PubMed 22878431 (cited by Labcorp Genetics (formerly Invitae), Labcorp and 3billion); PubMed 38476584 (cited by Natera, Inc.).

NM_000784.4(CYP27A1):c.1537C>T (p.Arg513Cys)

Gene: CYP27A1 (cytochrome P450 family 27 subfamily A member 1; plus strand). Cytogenetic location: 2q35.
Variant type: single nucleotide variant.
Coding change: c.1537C>T on transcript NM_000784.4 (MANE Select); coding-DNA position 1537, C replaced by T.
Protein change: p.Arg513Cys; replaces arginine 513 with cysteine.
Molecular consequence: missense variant.
Genome position (GRCh38, 1-based): chr2:218,814,971, C>T. VCF-style: chr2-218814971-C-T. GRCh37 (hg19) VCF-style: chr2-219679694-C-T.
Other names: short protein forms R513C.
Identifiers: ClinVar variation 557779 (VCV000557779.22), dbSNP rs560108684, ClinGen allele CA2112938.
Genomic context (GRCh38, chr2:218,814,971, plus strand): 5'-CTGATCCAGAAGTACAAGGTGGTCCTGGCCCCGGAGACGGGGGAGTTGAAGAGTGTGGCC[C>T]GCATTGTCCTGGTTCCCAATAAGAAAGTGGGCCTGCAGTTCCTGCAGAGACAGTGCTGAG-3'
Protein context (NP_000775.1, residues 503-523): PETGELKSVA[Arg513Cys]IVLVPNKKVG